The following is an entry in ClinVar:

ClinVar aggregate classification (germline): Uncertain significance (1 of 4 stars; one submission).

Conditions:
Developmental and epileptic encephalopathy, 30 (DEE30). Also called: Epileptic encephalopathy, early infantile, 30. Identifiers: MedGen C4225360, MONDO:0014595, OMIM 616341.

Submission:

Labcorp Genetics (formerly Invitae), Labcorp
Classification: Uncertain significance for Developmental and epileptic encephalopathy, 30. Last evaluated: 2019-09-22. Review status: criteria provided, single submitter. Criteria: Invitae Variant Classification Sherloc (09022015). Collection method: clinical testing. Allele origin: germline.
Comment: In summary, the available evidence is currently insufficient to determine the role of this variant in disease. Therefore, it has been classified as a Variant of Uncertain Significance. The current clinical and genetic evidence is not sufficient to establish whether loss-of-function variants in SIK1 cause disease. This variant has not been reported in the literature in individuals with SIK1-related conditions. This variant is not present in population databases (ExAC no frequency). This sequence change creates a premature translational stop signal (p.Asp506*) in the SIK1 gene. It is expected to result in an absent or disrupted protein product.

NM_173354.5(SIK1):c.1515dup (p.Asp506Ter)

Gene: SIK1 (salt inducible kinase 1; minus strand). Cytogenetic location: 21q22.3.
Variant type: Duplication.
Coding change: c.1515dup on transcript NM_173354.5 (MANE Select); coding-DNA position 1515, one base duplicated (T; older notation c.1515dupT).
Protein change: p.Asp506Ter; replaces aspartic acid 506 with a stop codon.
Molecular consequence: nonsense.
Genome position (GRCh38, 1-based): chr21:43,418,489, A duplicated on the plus strand (T on the coding strand, the reverse complement: SIK1 is on the minus strand). VCF-style (leftmost placement, unchanged base first): chr21-43418488-C-CA. GRCh37 (hg19) VCF-style: chr21-44838368-C-CA.
Other names: short protein forms D506*.
Identifiers: ClinVar variation 960620 (VCV000960620.8), dbSNP rs2081042986, ClinGen allele CA1139666891.
Genomic context (GRCh38, chr21:43,418,488, plus strand): 5'-TGGCCGGGGTGCCACTGAGCCCCGCGGGGCTTTTGCTCGCAGAGAAGGTCAGACAACTGT[C>CA]AGAGCTGGTTCCCTCTGCAGGACTTGCCGTGGTGGAGGGGGAGACGACTATACCTGTGGG-3'